The following is an entry in ClinVar:

NM_182916.3(TRNT1):c.803-220C>G

Gene: TRNT1 (tRNA nucleotidyl transferase 1; plus strand). Cytogenetic location: 3p26.2.
Variant type: single nucleotide variant.
Coding change: c.803-220C>G on transcript NM_182916.3 (MANE Select); 220 bases into the intron before coding-DNA position 803, C replaced by G.
Molecular consequence: intron variant.
Genome position (GRCh38, 1-based): chr3:3,147,230, C>G. VCF-style: chr3-3147230-C-G. GRCh37 (hg19) VCF-style: chr3-3188914-C-G.
Other names: c.803-220C>G (NM_001367321.1, NM_001367323.1, NM_001367322.1); c.743-220C>G (NM_001302946.2).
Identifiers: ClinVar variation 669585 (VCV000669585.1), dbSNP rs1714327, ClinGen allele CA15245933.

ClinVar aggregate classification (germline): Benign (1 of 4 stars; one submission).

Allele frequency attached by ClinVar (database versions not stated): 1000 Genomes Project 0.39836; 1000 Genomes Project 30x 0.40022; TOPMed 0.51297; gnomAD 0.52733 and 0.53412.
gnomAD v4.1: 80,442 of 151,990 alleles (53%); highest among the groups gnomAD compares: Middle Eastern, 70%; 22,904 homozygotes.

Submission:

GeneDx
Classification: Benign. Last evaluated: 2018-06-14. Review status: criteria provided, single submitter. Criteria: GeneDx Variant Classification (06012015). Collection method: clinical testing. Allele origin: germline. Affected: yes.
Comment: This variant is considered likely benign or benign based on one or more of the following criteria: it is a conservative change, it occurs at a poorly conserved position in the protein, it is predicted to be benign by multiple in silico algorithms, and/or has population frequency not consistent with disease.